The following is an entry in ClinVar:

ClinVar aggregate classification (germline): Uncertain significance (1 of 4 stars; one submission).

Submission:

GeneDx
Classification: Uncertain significance. Last evaluated: 2024-01-25. Review status: criteria provided, single submitter. Criteria: GeneDx Variant Classification Process June 2021. Collection method: clinical testing. Allele origin: germline. Affected: yes.
Comment: Not observed at significant frequency in large population cohorts (gnomAD); In silico analysis supports that this missense variant does not alter protein structure/function; Has not been previously published as pathogenic or benign to our knowledge; This variant is associated with the following publications: (PMID: 24658002, 29078173)

NM_003072.5(SMARCA4):c.1864G>C (p.Val622Leu)

Gene: SMARCA4 (SWI/SNF related BAF chromatin remodeling complex subunit ATPase 4; plus strand). Cytogenetic location: 19p13.2.
Variant type: single nucleotide variant.
Coding change: c.1864G>C on transcript NM_003072.5 (MANE Select); coding-DNA position 1864, G replaced by C.
Protein change: p.Val622Leu; replaces valine 622 with leucine.
Molecular consequence: missense variant. On other transcripts: non-coding transcript variant (1).
Genome position (GRCh38, 1-based): chr19:11,003,080, G>C. VCF-style: chr19-11003080-G-C. GRCh37 (hg19) VCF-style: chr19-11113756-G-C.
Other names: c.1864G>C, p.Val622Leu (NM_001128844.3, NM_001128845.2, NM_001128846.2 and 5 more transcripts); short protein forms V622L.
Identifiers: ClinVar variation 1700920 (VCV001700920.3), dbSNP rs745382051, ClinGen allele CA404051499.